The following is an entry in ClinVar:

ClinVar aggregate classification (germline): Likely benign. Review status: criteria provided, single submitter (1 of 4 stars). 2 submissions from 2 submitters: Likely benign (1). 1 of the submissions does not count toward it. Last evaluated 2024-09-16.

Conditions:
ATR-related disorder. Also called: ATR-related condition.

gnomAD v4.1: 3 of 1,497,078 alleles (0.0002%); highest among the groups gnomAD compares: Admixed American, 0.002%; no homozygotes.

Submissions (2):

Blueprint Genetics
Classification: Likely benign. Last evaluated: 2024-09-16. Review status: criteria provided, single submitter. Criteria: ACMG Guidelines, 2015. Collection method: clinical testing. Allele origin: germline.

PreventionGenetics, part of Exact Sciences
Classification: Likely benign for ATR-related condition. Last evaluated: 2019-09-17. Review status: no assertion criteria provided. Collection method: clinical testing. Allele origin: germline. Not counted in ClinVar's aggregate classification.
Comment: This variant is classified as likely benign based on ACMG/AMP sequence variant interpretation guidelines (Richards et al. 2015 PMID: 25741868, with internal and published modifications).

NM_001184.4(ATR):c.7041+7A>G

Gene: ATR (ATR checkpoint kinase; minus strand). Cytogenetic location: 3q23.
Variant type: single nucleotide variant.
Coding change: c.7041+7A>G on transcript NM_001184.4 (MANE Select); 7 bases into the intron after coding-DNA position 7041, A replaced by G.
Molecular consequence: intron variant.
Genome position (GRCh38, 1-based): chr3:142,465,090, T>C on the plus strand (A>G on the coding strand, the complement: ATR is on the minus strand). VCF-style: chr3-142465090-T-C. GRCh37 (hg19) VCF-style: chr3-142183932-T-C.
Other names: c.6849+7A>G (NM_001354579.2).
Identifiers: ClinVar variation 3040863 (VCV003040863.3), dbSNP rs2071097632, ClinGen allele CA1406989884.